The following is an entry in ClinVar:

ClinVar aggregate classification (germline): Likely benign (1 of 4 stars; one submission).

gnomAD v4.1: 1 of 1,594,000 alleles (0.000063%); highest among the groups gnomAD compares: Non-Finnish European, 0.000085%; no homozygotes.

Submission:

CeGaT Center for Human Genetics Tuebingen
Classification: Likely benign. Last evaluated: 2025-01-01. Review status: criteria provided, single submitter. Criteria: CeGaT Center For Human Genetics Tuebingen Variant Classification Criteria Version 2. Collection method: clinical testing. Allele origin: germline. Affected: yes. Observed: 1 variant allele.
Comment: HYDIN: BP4, BP7

NM_001270974.2(HYDIN):c.6741C>T (p.Ala2247=)

Gene: HYDIN (HYDIN axonemal central pair apparatus protein; minus strand). Cytogenetic location: 16q22.2.
Variant type: single nucleotide variant.
Coding change: c.6741C>T on transcript NM_001270974.2 (MANE Select); coding-DNA position 6741, C replaced by T.
Protein change: p.Ala2247=; no amino-acid change (alanine 2247 retained).
Molecular consequence: synonymous variant.
Genome position (GRCh38, 1-based): chr16:70,941,748, G>A on the plus strand (C>T on the coding strand, the complement: HYDIN is on the minus strand). VCF-style: chr16-70941748-G-A. GRCh37 (hg19) VCF-style: chr16-70975651-G-A.
Identifiers: ClinVar variation 3772265 (VCV003772265.13).